The following is an entry in ClinVar:

ClinVar aggregate classification (germline): Uncertain significance (1 of 4 stars; one submission).

Submission:

GeneDx
Classification: Uncertain significance. Last evaluated: 2024-07-03. Review status: criteria provided, single submitter. Criteria: GeneDx Variant Classification Process June 2021. Collection method: clinical testing. Allele origin: germline. Affected: yes.
Comment: Not observed at significant frequency in large population cohorts (gnomAD); In silico analysis does not support a benign or deleterious effect of this variant on protein structure/ function; Has not been previously published as pathogenic or benign to our knowledge

NM_032108.4(SEMA6B):c.1843G>C (p.Gly615Arg)

Gene: SEMA6B (semaphorin 6B; minus strand). Cytogenetic location: 19p13.3.
Variant type: single nucleotide variant.
Coding change: c.1843G>C on transcript NM_032108.4 (MANE Select); coding-DNA position 1843, G replaced by C.
Protein change: p.Gly615Arg; replaces glycine 615 with arginine.
Molecular consequence: missense variant.
Genome position (GRCh38, 1-based): chr19:4,544,425, C>G on the plus strand (G>C on the coding strand, the complement: SEMA6B is on the minus strand). VCF-style: chr19-4544425-C-G. GRCh37 (hg19) VCF-style: chr19-4544437-C-G.
Other names: short protein forms G615R.
Identifiers: ClinVar variation 3393861 (VCV003393861.1).